The following is an entry in ClinVar:

ClinVar aggregate classification (germline): Uncertain significance (1 of 4 stars; one submission).

Conditions:
Multiple acyl-CoA dehydrogenase deficiency (MADD). Also called: Glutaric Acidemia type 2; Glutaric aciduria, type 2; Glutaric acidemia type II; GA 2; ETHYLMALONIC-ADIPICACIDURIA; GA II. Identifiers: Orphanet 26791, MedGen C0268596, MONDO:0009282, OMIM 231680.

Submission:

Labcorp Genetics (formerly Invitae), Labcorp
Classification: Uncertain significance for Multiple acyl-CoA dehydrogenase deficiency. Last evaluated: 2022-03-22. Review status: criteria provided, single submitter. Criteria: Invitae Variant Classification Sherloc (09022015). Collection method: clinical testing. Allele origin: germline.
Comment: This sequence change replaces alanine, which is neutral and non-polar, with serine, which is neutral and polar, at codon 365 of the ETFDH protein (p.Ala365Ser). This variant is not present in population databases (gnomAD no frequency). This variant has not been reported in the literature in individuals affected with ETFDH-related conditions. Advanced modeling of protein sequence and biophysical properties (such as structural, functional, and spatial information, amino acid conservation, physicochemical variation, residue mobility, and thermodynamic stability) performed at Invitae indicates that this missense variant is expected to disrupt ETFDH protein function. In summary, the available evidence is currently insufficient to determine the role of this variant in disease. Therefore, it has been classified as a Variant of Uncertain Significance.

NM_004453.4(ETFDH):c.1093G>T (p.Ala365Ser)

Gene: ETFDH (electron transfer flavoprotein dehydrogenase; plus strand). Cytogenetic location: 4q32.1.
Variant type: single nucleotide variant.
Coding change: c.1093G>T on transcript NM_004453.4 (MANE Select); coding-DNA position 1093, G replaced by T.
Protein change: p.Ala365Ser; replaces alanine 365 with serine.
Molecular consequence: missense variant.
Genome position (GRCh38, 1-based): chr4:158,699,107, G>T. VCF-style: chr4-158699107-G-T. GRCh37 (hg19) VCF-style: chr4-159620259-G-T.
Other names: c.952G>T, p.Ala318Ser (NM_001281737.2); c.910G>T, p.Ala304Ser (NM_001281738.1); short protein forms A365S, A304S, A318S.
Identifiers: ClinVar variation 1938219 (VCV001938219.2), dbSNP rs2479121302, ClinGen allele CA358562338.
Genomic context (GRCh38, chr4:158,699,107, plus strand): 5'-CACCATCCTAGCATTCGGCCAACCTTGGAAGGTGGAAAAAGGATTGCATACGGAGCCAGA[G>T]CTCTCAATGAAGGTGGCTTTCAGGTAACTCTTCCAACTTTTATTTTCCTTGTTTCTGTAT-3'
Protein context (NP_004444.2, residues 355-375): GGKRIAYGAR[Ala365Ser]LNEGGFQSIP